The following is an entry in ClinVar:

ClinVar aggregate classification (germline): Benign (1 of 4 stars; one submission).

Allele frequency attached by ClinVar (database versions not stated): TOPMed 0.34162; gnomAD 0.34521 and 0.34890; 1000 Genomes Project 0.36242; 1000 Genomes Project 30x 0.36508.
gnomAD v4.1: 52,529 of 151,798 alleles (35%); highest among the groups gnomAD compares: African/African-American, 45%; 9,565 homozygotes.

Submission:

GeneDx
Classification: Benign. Last evaluated: 2018-06-14. Review status: criteria provided, single submitter. Criteria: GeneDx Variant Classification (06012015). Collection method: clinical testing. Allele origin: germline. Affected: yes.
Comment: This variant is considered likely benign or benign based on one or more of the following criteria: it is a conservative change, it occurs at a poorly conserved position in the protein, it is predicted to be benign by multiple in silico algorithms, and/or has population frequency not consistent with disease.

NM_001377.3(DYNC2H1):c.10762-310G>A

Gene: DYNC2H1 (dynein cytoplasmic 2 heavy chain 1; plus strand). Cytogenetic location: 11q22.3.
Variant type: single nucleotide variant.
Coding change: c.10762-310G>A on transcript NM_001377.3 (MANE Select); 310 bases into the intron before coding-DNA position 10762, G replaced by A.
Molecular consequence: intron variant.
Genome position (GRCh38, 1-based): chr11:103,281,869, G>A. VCF-style: chr11-103281869-G-A. GRCh37 (hg19) VCF-style: chr11-103152598-G-A.
Other names: c.10783-310G>A (NM_001080463.2).
Identifiers: ClinVar variation 669457 (VCV000669457.1), dbSNP rs10895390, ClinGen allele CA16427923.